The following is an entry in ClinVar:

ClinVar aggregate classification (germline): Uncertain significance (1 of 4 stars; one submission).

Submission:

Women's Health and Genetics/Laboratory Corporation of America, LabCorp
Classification: Uncertain significance. Last evaluated: 2024-09-18. Review status: criteria provided, single submitter. Criteria: LabCorp Variant Classification Summary - May 2015. Collection method: clinical testing. Allele origin: germline.
Comment: Variant summary: RDH12 c.746G>T (p.Arg249Leu) results in a non-conservative amino acid change in the encoded protein sequence. Four of five in-silico tools predict a benign effect of the variant on protein function. The variant was absent in 245458 control chromosomes. c.746G>T has been reported in the literature in a homozygous individual affected with Leber Congenital Amaurosis (Srikrupa_2018). These data indicate that the variant may be associated with disease. To our knowledge, no experimental evidence demonstrating an impact on protein function has been reported. The following publication has been ascertained in the context of this evaluation (PMID: 29068479). No submitters have cited clinical-significance assessments for this variant to ClinVar. Based on the evidence outlined above, the variant was classified as VUS-possibly pathogenic.

Literature cited by the submitters: PubMed 29068479.

NM_152443.3(RDH12):c.746G>T (p.Arg249Leu)

Genes: GPHN (gephyrin; plus strand), RDH12 (retinol dehydrogenase 12; plus strand), ZFYVE26 (zinc finger FYVE-type containing 26; minus strand). Cytogenetic location: 14q24.1.
Variant type: single nucleotide variant.
Coding change: c.746G>T on transcript NM_152443.3 (MANE Select); coding-DNA position 746, G replaced by T.
Protein change: p.Arg249Leu; replaces arginine 249 with leucine.
Molecular consequence: missense variant.
Genome position (GRCh38, 1-based): chr14:67,729,278, G>T. VCF-style: chr14-67729278-G-T. GRCh37 (hg19) VCF-style: chr14-68195995-G-T.
Other names: short protein forms R249L.
Identifiers: ClinVar variation 3375397 (VCV003375397.1).